The following is an entry in ClinVar:

ClinVar aggregate classification (germline): Conflicting classifications of pathogenicity. Review status: criteria provided, conflicting classifications (1 of 4 stars). 3 submissions from 3 submitters: Uncertain significance (1); Benign (1); Likely benign (1). Last evaluated 2026-09-21.

Conditions:
CRX-related disorder. Also called: CRX-related condition.
Leber congenital amaurosis 7 (LCA7). Identifiers: Orphanet 65, MedGen C3151192, MONDO:0013449, OMIM 613829.
Cone-rod dystrophy 2 (CORD2). Also called: CONE-ROD RETINAL DYSTROPHY; Cone-rod retinal dystrophy 2. Identifiers: Orphanet 1872, MedGen C3489532, MONDO:0007362, OMIM 120970.

Allele frequency attached by ClinVar (database versions not stated): gnomAD exomes 0.00003 and 0.00006; ExAC 0.00004; 1000 Genomes Project 30x 0.00016; gnomAD 0.00017 and 0.00020; 1000 Genomes Project 0.00020; TOPMed 0.00031; ESP Exome Variant Server 0.00046.
gnomAD v4.1: 67 of 1,614,196 alleles (0.0042%); highest among the groups gnomAD compares: African/African-American, 0.077%; no homozygotes.

Submissions (3):

PreventionGenetics, part of Exact Sciences
Classification: Uncertain significance for CRX-related condition. Last evaluated: 2026-09-21. Review status: criteria provided, single submitter. Criteria: ACMG Guidelines, 2015. Collection method: clinical testing. Allele origin: germline.
Comment: The CRX c.203C>T variant is predicted to result in the amino acid substitution p.Ala68Val. To our knowledge, this variant has not been reported in the literature. This variant is reported in 0.064% of alleles in individuals of African descent in gnomAD, which is likely too common for an undocumented disease-causing variant. Although we suspect this variant may be benign, at this time, the clinical significance of this variant is uncertain due to the absence of conclusive functional and genetic evidence.

Labcorp Genetics (formerly Invitae), Labcorp
Classification: Likely benign for Cone-rod dystrophy 2; Leber congenital amaurosis 7. Last evaluated: 2025-10-03. Review status: criteria provided, single submitter. Criteria: Invitae Variant Classification Sherloc (09022015). Collection method: clinical testing. Allele origin: germline.

Blueprint Genetics
Classification: Benign. Last evaluated: 2024-05-31. Review status: criteria provided, single submitter. Criteria: ACMG Guidelines, 2015. Collection method: clinical testing. Allele origin: germline.

NM_000554.6(CRX):c.203C>T (p.Ala68Val)

Gene: CRX (cone-rod homeobox; plus strand). Cytogenetic location: 19q13.33.
Variant type: single nucleotide variant.
Coding change: c.203C>T on transcript NM_000554.6 (MANE Select); coding-DNA position 203, C replaced by T.
Protein change: p.Ala68Val; replaces alanine 68 with valine.
Molecular consequence: missense variant.
Genome position (GRCh38, 1-based): chr19:47,836,345, C>T. VCF-style: chr19-47836345-C-T. GRCh37 (hg19) VCF-style: chr19-48339602-C-T.
Other names: c.203C>T (NM_000554.5); short protein forms A68V.
Identifiers: ClinVar variation 1052842 (VCV001052842.9), dbSNP rs145649717, ClinGen allele CA9544417.
Genomic context (GRCh38, chr19:47,836,345, plus strand): 5'-GGAGCCAACTGGAGGAGCTGGAGGCACTGTTTGCCAAGACCCAGTACCCAGACGTCTATG[C>T]CCGTGAGGAGGTGGCTCTGAAGATCAATCTGCCTGAGTCCAGGGTTCAGGTGGGGTGGTG-3'
Protein context (NP_000545.1, residues 58-78): FAKTQYPDVY[Ala68Val]REEVALKINL